The following is an entry in ClinVar:

GRCh37/hg19 18q23(chr18:77685396-78014123)x1

Genes: ADNP2 (ADNP homeobox 2; plus strand), HSBP1L1 (heat shock factor binding protein 1 like 1; plus strand), PARD6G (par-6 family cell polarity regulator gamma; minus strand), RBFA (ribosome binding factor A; plus strand), SLC66A2 (solute carrier family 66 member 2; minus strand) and 1 more. Cytogenetic location: 18q23.
Variant type: copy number loss.
Change: copy number 1 (one copy instead of two) of chr18:77,685,396-78,014,123 (328.7 kb, GRCh37 coordinates, 1-based), cytogenetic band 18q23.
Identifiers: ClinVar variation 1808061 (VCV001808061.1).

ClinVar aggregate classification (germline): Pathogenic (1 of 4 stars; one submission).

Submission:

Quest Diagnostics Nichols Institute San Juan Capistrano
Classification: Pathogenic. Last evaluated: 2022-05-10. Review status: criteria provided, single submitter. Criteria: ACMG/ClinGen CNV Guidelines, 2019. Collection method: clinical testing. Allele origin: unknown.
Comment: The 18q terminal deletion has been described as a contiguous gene deletion syndrome (OMIM 601808). Critical regions associated with particular phenotypes are all within the 18q22.3qter region including the regions for dysmyelination and failure of growth hormone stimulation response, the region for aural atresia (TSHZ1; OMIM 607842), and the region for kidney malformations. The phenotype is highly variable, but is characterized by intellectual disability, short stature, growth failure, hypotonia, hearing impairment, and foot deformities. Tapered digits and wide mouth have been described. References: Chao et al., PLoS One. 2010 May 11;5(5):e10565. PMID: 20485507.Cody et al., Am J Med Genet C Semin Med Genet. 2015Sep;169(3):265-80. PMID: 26235940.Feenstra et al., Am J Med Genet A. 2007 Aug 15;143A(16):1858-67.PMID: 17632778.